The following is an entry in ClinVar:

ClinVar aggregate classification (germline): Likely pathogenic. Review status: reviewed by expert panel (3 of 4 stars). 4 submissions from 4 submitters: Likely pathogenic (1). 3 of the submissions do not count toward it. Last evaluated 2026-03-18.

Conditions:
Hereditary cancer-predisposing syndrome. Also called: Tumor predisposition; Hereditary neoplastic syndrome; Hereditary Cancer Syndrome; Neoplastic Syndromes, Hereditary. Identifiers: Orphanet 140162, MedGen C0027672, MeSH D009386, MONDO:0015356.
BRCA1-related cancer predisposition. Identifiers: MedGen CN377757, MONDO:0700268.
Hereditary breast ovarian cancer syndrome. Also called: Hereditary breast and ovarian cancer; Breast and ovarian cancer; BRCA1- and BRCA2-Associated Hereditary Breast and Ovarian Cancer; Hereditary breast and/or ovarian cancer syndrome; Hereditary breast and ovarian cancer syndrome; Hereditary breast and ovarian cancer syndrome (HBOC). Identifiers: Orphanet 145, MedGen C0677776, MeSH D061325, MONDO:0003582. Disease mechanism: loss of function.

Submissions (4):

ClinGen ENIGMA BRCA1 and BRCA2 Variant Curation Expert Panel, ClinGen
Classification: Likely pathogenic for BRCA1-related cancer predisposition. Last evaluated: 2026-03-18. Review status: reviewed by expert panel. Criteria: CSpec BRCA1/2ACMG Rules Specifications V1.2. Collection method: curation. Allele origin: germline. Inheritance: Autosomal dominant inheritance.
Comment: The c.4185G>C variant in BRCA1 is a missense variant predicted to cause substitution of Glutamine by Histidine at amino acid 1395 (p.(Gln1395His)). This is the last nucleotide of the exon. This variant is absent from gnomAD v2.1 (exomes only, non-cancer subset, read depth ≥25) and gnomAD v3.1 (non-cancer subset, read depth ≥25) (PM2_Supporting met). This BRCA1 missense variant has a SpliceAI score of 0.95, predicting an impact on splicing (score threshold >0.20) (PP3 met). This variant is reported to result in aberrant mRNA splicing. RT-PCR demonstrated that the variant impacts splicing by skipping of exon 12 (PMID: 29750258). The percent reference (full length) and aberrant transcripts produced from the variant allele is not stated (PVS1_N/A (RNA)). The variant under assessment is located outside the canonical dinucleotide, and has been assigned PP3 based on splicing predictions. Another variant at the same nucleotide position (c.4185G>A) is classified as pathogenic by the ENIGMA BRCA1/2 VCEP. The SpliceAI predictions indicate that the two variants are likely to lead to the same event (disruption of the donor splice site of intron 11(12) in BRCA1). These observations suggest that the variant has an impact on splicing consistent with pathogenicity (PS1 (Splicing) met). In summary, this variant meets the criteria to be classified as a Likely pathogenic variant for BRCA1-related cancer predisposition based on the ACMG/AMP criteria applied as specified by the ENIGMA BRCA1/2 VCEP (PM2_Supporting, PP3, PS1 (Splicing)).

Ambry Genetics
Classification: Likely pathogenic for Hereditary cancer-predisposing syndrome. Last evaluated: 2026-02-11. Review status: criteria provided, single submitter. Criteria: Ambry Variant Classification Scheme 2023. Collection method: clinical testing. Allele origin: germline. Not counted in ClinVar's aggregate classification.
Comment: The c.4185G>C variant (also known as p.Q1395H), located in coding exon 10 of the BRCA1 gene, results from a G to C substitution at nucleotide position 4185. The amino acid change results in glutamine to histidine at codon 1395, an amino acid with highly similar properties. However, this change occurs in the last base pair of coding exon 10, which makes it likely to have some effect on normal mRNA splicing. This variant is considered to be rare based on population cohorts in the Genome Aggregation Database (gnomAD). One functional study reported p.Q1395H to confer modestly reduced homologous recombination activity and increased sensitivity to cisplatin and olaparib (Foo TK et al. Cancer Res. 2021 Sep;81(18):4676-4684). This nucleotide position is highly conserved in available vertebrate species. In silico splice site analysis predicts that this alteration will weaken the native splice donor site; however, direct evidence is insufficient at this time (Ambry internal data). A different nucleotide substitution at this same position, BRCA1 c.4185G>A (p.Q1395Q) has been shown to cause out-of-frame skipping of coding exon 10 (Claes K et al. Genes Chromosomes Cancer. 2003 Jul;37:314-20; Wappenschmidt B et al. PLoS ONE. 2012 Dec;7:e50800; Gayther SA et al. Nat. Genet.1995 Dec;11:428-33). In addition, as a missense substitution, this variant is predicted to be deleterious by in silico analysis. Based on the majority of available evidence to date, this variant is likely to be pathogenic.

Labcorp Genetics (formerly Invitae), Labcorp
Classification: Likely pathogenic for Hereditary breast ovarian cancer syndrome. Last evaluated: 2024-09-09. Review status: criteria provided, single submitter. Criteria: Invitae Variant Classification Sherloc (09022015). Collection method: clinical testing. Allele origin: germline. Not counted in ClinVar's aggregate classification.
Comment: This sequence change replaces glutamine, which is neutral and polar, with histidine, which is basic and polar, at codon 1395 of the BRCA1 protein (p.Gln1395His). This variant also falls at the last nucleotide of exon 11, which is part of the consensus splice site for this exon. This variant is not present in population databases (gnomAD no frequency). This missense change has been observed in individual(s) with breast cancer (PMID: 28993434). ClinVar contains an entry for this variant (Variation ID: 232793). An algorithm developed to predict the effect of missense changes on protein structure and function (PolyPhen-2) suggests that this variant is likely to be disruptive. Experimental studies have shown that this missense change affects BRCA1 function (PMID: 34301763). Variants that disrupt the consensus splice site are a relatively common cause of aberrant splicing (PMID: 17576681, 9536098). Algorithms developed to predict the effect of sequence changes on RNA splicing suggest that this variant may disrupt the consensus splice site. This variant disrupts the c.4185G nucleotide in the BRCA1 gene. Other variant(s) that disrupt this nucleotide have been determined to be pathogenic (PMID: 7493024, 9649133, 12759930, 23239986). This suggests that this nucleotide is clinically significant, and that variants that disrupt this position are likely to be disease-causing. In summary, the currently available evidence indicates that the variant is pathogenic, but additional data are needed to prove that conclusively. Therefore, this variant has been classified as Likely Pathogenic.

Women's Health and Genetics/Laboratory Corporation of America, LabCorp
Classification: Likely pathogenic for Hereditary breast ovarian cancer syndrome. Last evaluated: 2023-10-31. Review status: criteria provided, single submitter. Criteria: LabCorp Variant Classification Summary - May 2015. Collection method: clinical testing. Allele origin: germline. Not counted in ClinVar's aggregate classification.
Comment: Variant summary: BRCA1 c.4185G>C (p.Gln1395His) results in a non-conservative amino acid change in the encoded protein sequence. Four of five in-silico tools predict a damaging effect of the variant on protein function. In addition, this variant disrupts the last nucleotide of exon 11, and therefore can affect splicing. Several computational tools predict a significant impact on normal splicing: three predict the variant abolishes a 5' splicing donor site, and one predicts the variant weakens a 5' donor site. At least one publication reports experimental evidence that this variant affects mRNA splicing and leads to exon 12 skipping (e.g., Leman_2018). The variant was absent in 242736 control chromosomes (gnomAD). To our knowledge, no occurrence of c.4185G>C in individuals affected with Hereditary Breast And Ovarian Cancer Syndrome has been reported. One publication reports experimental evidence evaluating the impact of Q1395H on protein function and found that this missense variant displayed a moderate defect in homologous recombination activity (e.g., Foo_2021). However, the exact nucleotide change utilized for the mutant protein was not disclosed and therefore this study does not allow convincing conclusions about the variant effect. The following publications have been ascertained in the context of this evaluation (PMID: 34301763, 29750258, 28993434). Two submitters have reported clinical-significance assessments for this variant to ClinVar after 2014. One submitter classified the variant as likely pathogenic, and one submitter classified the variant as uncertain significance. Based on the evidence outlined above, the variant was classified as likely pathogenic.

Literature cited by the submitters: PubMed 12759930 (cited by Ambry Genetics and Labcorp Genetics (formerly Invitae), Labcorp); PubMed 23239986 (cited by Ambry Genetics and Labcorp Genetics (formerly Invitae), Labcorp); PubMed 28993434 (cited by 3 submitters); PubMed 34301763 (cited by 3 submitters); PubMed 7493024 (cited by Ambry Genetics and Labcorp Genetics (formerly Invitae), Labcorp); PubMed 17576681 (cited by Labcorp Genetics (formerly Invitae), Labcorp); PubMed 9536098 (cited by Labcorp Genetics (formerly Invitae), Labcorp); PubMed 9649133 (cited by Labcorp Genetics (formerly Invitae), Labcorp); PubMed 29750258 (cited by Women's Health and Genetics/Laboratory Corporation of America, LabCorp).

NM_007294.4(BRCA1):c.4185G>C (p.Gln1395His)

Gene: BRCA1 (BRCA1 DNA repair associated; minus strand). Cytogenetic location: 17q21.31.
Variant type: single nucleotide variant.
Coding change: c.4185G>C on transcript NM_007294.4 (MANE Select); coding-DNA position 4185, G replaced by C.
Protein change: p.Gln1395His; replaces glutamine 1395 with histidine.
Molecular consequence: missense variant. On other transcripts: non-coding transcript variant (1).
Genome position (GRCh38, 1-based): chr17:43,090,944, C>G on the plus strand (G>C on the coding strand, the complement: BRCA1 is on the minus strand). VCF-style: chr17-43090944-C-G. GRCh37 (hg19) VCF-style: chr17-41242961-C-G.
Other names: NM_007294.4(BRCA1):c.4185G>C; p.Gln1395His; c.3972G>C, p.Gln1324His (NM_001407571.1, NM_001407853.1, NM_001407894.1 and 9 more transcripts); c.4185G>C, p.Gln1395His (NM_001407581.1, NM_001407582.1, NM_001407583.1 and 30 more transcripts); c.4182G>C, p.Gln1394His (NM_001407587.1, NM_001407590.1, NM_001407591.1 and 22 more transcripts); c.4107G>C, p.Gln1369His (NM_001407657.1, NM_001407658.1, NM_001407663.1 and 4 more transcripts); c.4104G>C, p.Gln1368His (NM_001407659.1, NM_001407660.1, NM_001407661.1 and 1 more transcripts); c.4062G>C, p.Gln1354His (NM_001407664.1, NM_001407665.1, NM_001407676.1 and 19 more transcripts); and 43 more; short protein forms Q1395H, Q292H, Q1348H, Q1306H, Q1325H, Q1327H, Q203H, Q244H.
Identifiers: ClinVar variation 232793 (VCV000232793.19), dbSNP rs80356857, ClinGen allele CA10580532.